The following is an entry in ClinVar:

ClinVar aggregate classification (germline): Uncertain significance. Review status: criteria provided, multiple submitters, no conflicts (2 of 4 stars). 2 submissions from 2 submitters: Uncertain significance (2). Last evaluated 2021-11-03.

Conditions:
Fanconi anemia (FA). Also called: Fanconi's anemia. Identifiers: Orphanet 84, MedGen C0015625, MeSH D005199, MONDO:0019391.

Submissions (2):

Sema4
Classification: Uncertain significance for Fanconi anemia. Last evaluated: 2021-11-03. Review status: criteria provided, single submitter. Criteria: Sema4 Curation Guidelines. Collection method: curation. Allele origin: germline.
Comment: The FANCC c.1088A>G (p.H363R) variant has not been reported in the literature to our knowledge. It was not observed in the large and broad cohorts of the Genome Aggregation Database, but has been reported in ClinVar (Variation ID 1014522). Functional studies have not been performed, and in silico predictions of the variant's effect on protein function are inconclusive. The evidence is insufficient to meet ACMG/AMP criteria for classifying the variant as benign or pathogenic. Thus, the clinical significance of this variant is currently uncertain.

Labcorp Genetics (formerly Invitae), Labcorp
Classification: Uncertain significance for Fanconi anemia. Last evaluated: 2020-09-26. Review status: criteria provided, single submitter. Criteria: Invitae Variant Classification Sherloc (09022015). Collection method: clinical testing. Allele origin: germline.
Comment: This sequence change replaces histidine with arginine at codon 363 of the FANCC protein (p.His363Arg). The histidine residue is weakly conserved and there is a small physicochemical difference between histidine and arginine. This variant is not present in population databases (ExAC no frequency). This variant has not been reported in the literature in individuals with FANCC-related conditions. Algorithms developed to predict the effect of missense changes on protein structure and function output the following: SIFT: "Tolerated"; PolyPhen-2: "Benign"; Align-GVGD: "Class C0". The arginine amino acid residue is found in multiple mammalian species, suggesting that this missense change does not adversely affect protein function. These predictions have not been confirmed by published functional studies and their clinical significance is uncertain. In summary, the available evidence is currently insufficient to determine the role of this variant in disease. Therefore, it has been classified as a Variant of Uncertain Significance.

NM_000136.3(FANCC):c.1088A>G (p.His363Arg)

Genes: AOPEP (aminopeptidase O (putative); plus strand), FANCC (FA complementation group C; minus strand). Cytogenetic location: 9q22.32.
Variant type: single nucleotide variant.
Coding change: c.1088A>G on transcript NM_000136.3 (MANE Select); coding-DNA position 1088, A replaced by G.
Protein change: p.His363Arg; replaces histidine 363 with arginine.
Molecular consequence: missense variant.
Genome position (GRCh38, 1-based): chr9:95,114,695, T>C on the plus strand (A>G on the coding strand, the complement: FANCC is on the minus strand). VCF-style: chr9-95114695-T-C. GRCh37 (hg19) VCF-style: chr9-97876977-T-C.
Other names: c.1088A>G, p.His363Arg (NM_001243743.2, NM_001243744.2); short protein forms H363R.
Identifiers: ClinVar variation 1014522 (VCV001014522.9), dbSNP rs2072244970, ClinGen allele CA374108046.